The following is an entry in ClinVar:

NM_000535.7(PMS2):c.1336C>T (p.Pro446Ser)

Gene: PMS2 (PMS1 homolog 2, mismatch repair system component; minus strand). Cytogenetic location: 7p22.1.
Variant type: single nucleotide variant.
Coding change: c.1336C>T on transcript NM_000535.7 (MANE Select); coding-DNA position 1336, C replaced by T.
Protein change: p.Pro446Ser; replaces proline 446 with serine.
Molecular consequence: missense variant. On other transcripts: non-coding transcript variant (1).
Genome position (GRCh38, 1-based): chr7:5,987,429, G>A on the plus strand (C>T on the coding strand, the complement: PMS2 is on the minus strand). VCF-style: chr7-5987429-G-A. GRCh37 (hg19) VCF-style: chr7-6027060-G-A.
Other names: c.931C>T, p.Pro311Ser (NM_001322003.2, NM_001322004.2, NM_001322005.2 and 1 more transcripts); c.1180C>T, p.Pro394Ser (NM_001322006.2); c.1018C>T, p.Pro340Ser (NM_001322007.2, NM_001322008.2); c.775C>T, p.Pro259Ser (NM_001322010.2); c.403C>T, p.Pro135Ser (NM_001322011.2, NM_001322012.2); c.763C>T, p.Pro255Ser (NM_001322013.2); c.1336C>T, p.Pro446Ser (NM_001322014.2); c.1027C>T, p.Pro343Ser (NM_001322015.2); short protein forms P311S, P343S, P135S, P255S, P446S, P259S, P340S, P394S.
Identifiers: ClinVar variation 1450979 (VCV001450979.10), dbSNP rs2128733048, ClinGen allele CA366742305.

ClinVar aggregate classification (germline): Conflicting classifications of pathogenicity. Review status: criteria provided, conflicting classifications (1 of 4 stars). 2 submissions from 2 submitters: Uncertain significance (1); Likely benign (1). Last evaluated 2024-10-22.

Conditions:
Hereditary cancer-predisposing syndrome. Also called: Hereditary Cancer Syndrome; Hereditary neoplastic syndrome; Neoplastic Syndromes, Hereditary; Tumor predisposition. Identifiers: Orphanet 140162, MedGen C0027672, MeSH D009386, MONDO:0015356.
Hereditary nonpolyposis colorectal neoplasms. Identifiers: MedGen C0009405, MeSH D003123.

Submissions (2):

Labcorp Genetics (formerly Invitae), Labcorp
Classification: Uncertain significance for Hereditary nonpolyposis colorectal neoplasms. Last evaluated: 2024-10-22. Review status: criteria provided, single submitter. Criteria: Invitae Variant Classification Sherloc (09022015). Collection method: clinical testing. Allele origin: germline.
Comment: This sequence change replaces proline, which is neutral and non-polar, with serine, which is neutral and polar, at codon 446 of the PMS2 protein (p.Pro446Ser). This variant is not present in population databases (gnomAD no frequency). This variant has not been reported in the literature in individuals affected with PMS2-related conditions. ClinVar contains an entry for this variant (Variation ID: 1450979). Invitae Evidence Modeling incorporating data from in vitro experimental studies (internal data) indicates that this missense variant is not expected to disrupt PMS2 function with a negative predictive value of 95%. In summary, the available evidence is currently insufficient to determine the role of this variant in disease. Therefore, it has been classified as a Variant of Uncertain Significance.

Ambry Genetics
Classification: Likely benign for Hereditary cancer-predisposing syndrome. Last evaluated: 2021-03-09. Review status: criteria provided, single submitter. Criteria: Ambry Variant Classification Scheme 2023. Collection method: clinical testing. Allele origin: germline.